The following is an entry in ClinVar:

NM_017514.5(PLXNA3):c.1596T>C (p.Phe532=)

Gene: PLXNA3 (plexin A3; plus strand). Cytogenetic location: Xq28.
Variant type: single nucleotide variant.
Coding change: c.1596T>C on transcript NM_017514.5 (MANE Select); coding-DNA position 1596, T replaced by C.
Protein change: p.Phe532=; no amino-acid change (phenylalanine 532 retained).
Molecular consequence: synonymous variant.
Genome position (GRCh38, 1-based): chrX:154,463,999, T>C. VCF-style: chrX-154463999-T-C. GRCh37 (hg19) VCF-style: chrX-153692342-T-C.
Identifiers: ClinVar variation 2661834 (VCV002661834.24), dbSNP rs2523075473, ClinGen allele CA519294178.

ClinVar aggregate classification (germline): Likely benign (1 of 4 stars; one submission).

Submission:

CeGaT Center for Human Genetics Tuebingen
Classification: Likely benign. Last evaluated: 2022-08-01. Review status: criteria provided, single submitter. Criteria: CeGaT Center For Human Genetics Tuebingen Variant Classification Criteria Version 2. Collection method: clinical testing. Allele origin: germline. Affected: yes. Observed: 1 variant allele.
Comment: PLXNA3: PM2:Supporting, BP4, BP7